The following is an entry in ClinVar:

ClinVar aggregate classification (germline): Uncertain significance (1 of 4 stars; one submission).

Conditions:
Syndromic microphthalmia type 5 (MCOPS5). Also called: RETINAL DYSTROPHY, EARLY-ONSET, WITH PITUITARY DYSFUNCTION; RETINAL DYSTROPHY, EARLY-ONSET, WITHOUT PITUITARY DYSFUNCTION. Identifiers: Orphanet 178364, MedGen C1864690, MONDO:0012413, OMIM 610125.

Submission:

3billion
Classification: Uncertain significance for Syndromic microphthalmia type 5. Last evaluated: 2022-05-22. Review status: criteria provided, single submitter. Criteria: ACMG Guidelines, 2015. Collection method: clinical testing. Allele origin: germline. Affected: yes. Observed: 1 heterozygote.
Comment: The variant is not observed in the gnomAD v2.1.1 dataset. In silico tool predictions suggest damaging effect of the variant on gene or gene product (REVEL: 0.92; 3Cnet: 0.99). A different missense change at the same codon (p.Trp93Leu) has been reported to be associated with OTX2 related disorder (ClinVar ID: VCV001332784). However the evidence of pathogenicity is insufficient at this time. Therefore, this variant is classified as uncertain significanceaccording to the recommendation of ACMG/AMP guideline.

NM_021728.4(OTX2):c.278G>C (p.Trp93Ser)

Gene: OTX2 (orthodenticle homeobox 2; minus strand). Cytogenetic location: 14q22.3.
Variant type: single nucleotide variant.
Coding change: c.278G>C on transcript NM_021728.4 (MANE Select); coding-DNA position 278, G replaced by C.
Protein change: p.Trp93Ser; replaces tryptophan 93 with serine.
Molecular consequence: missense variant. On other transcripts: non-coding transcript variant (2).
Genome position (GRCh38, 1-based): chr14:56,802,351, C>G on the plus strand (G>C on the coding strand, the complement: OTX2 is on the minus strand). VCF-style: chr14-56802351-C-G. GRCh37 (hg19) VCF-style: chr14-57269069-C-G.
Other names: c.254G>C, p.Trp85Ser (NM_001270523.2, NM_001270524.2, NM_172337.3); c.278G>C, p.Trp93Ser (NM_001270525.2); short protein forms W85S, W93S.
Identifiers: ClinVar variation 1687464 (VCV001687464.1), dbSNP rs2139529394, ClinGen allele CA390052208.